The following is an entry in ClinVar:

ClinVar aggregate classification (germline): Likely benign. Review status: reviewed by expert panel (3 of 4 stars). 4 submissions from 4 submitters: Likely benign (1). 3 of the submissions do not count toward it. Last evaluated 2022-06-06.

Conditions:
Creatine transporter deficiency (CCDS1). Also called: Creatine Transporter (CRTR) Deficiency; Mental retardation , X-linked with seizures, short stature and midface hypoplasia; Mental retardation , X-linked, with creatine transport deficiency; X-linked creatine transporter deficiency; X-linked creatine deficiency syndrome; SLC6A8-Related Creatine Transporter Deficiency. Identifiers: Orphanet 52503, MedGen C1845862, MONDO:0010305, OMIM 300352.

Allele frequency attached by ClinVar (database versions not stated): TOPMed below 0.00001; gnomAD 0.00001; gnomAD exomes 0.00001 and 0.00002; ExAC 0.00003; ESP Exome Variant Server 0.00009.
gnomAD v4.1: 16 of 1,210,642 alleles (0.0013%); highest among the groups gnomAD compares: Non-Finnish European, 0.0018%; no homozygotes.

Submissions (4):

ClinGen Cerebral Creatine Deficiency Syndromes Variant Curation Expert Panel, ClinGen
Classification: Likely benign for Creatine transporter deficiency. Last evaluated: 2022-06-06. Review status: reviewed by expert panel. Criteria: ClinGen_CCDS_ACMG_Specifications_SLC6A8_v1.1. Collection method: curation. Allele origin: germline. Inheritance: X-linked inheritance.
Comment: The NM_005629.4:c.557G>A variant in SLC6A8 is a missense variant predicted to cause substitution of arginine by histidine at amino acid 186 (p.Arg186His). The highest population minor allele frequency in gnomAD is 0.00003675 in the European non-Finnish population which meets neither the PM2_Supporting (<0.00002) nor the BS1 (>0.0002) ClinGen CCDS VCEP allele frequency threshold. The variant is present in 2 or more hemizygotes in gnomAD v2.1.1 (BS2). Functional studies show that the variant results in 82% creatine transport of wild type when expressed in HeLa cells (PMID 25861866) (BS3_Supporting). The computational predictor REVEL gives a score of 0.102, evidence that does not predict a damaging effect on SLC6A8 function, and SpliceAI does not predict any impact of the variant on splicing (BP4). To our knowledge, this variant has not been reported in the literature in any patients with features of creatine transporter deficiency. There is a ClinVar entry for this variant (Variation ID: 516199). In summary, this variant meets the criteria to be classified as likely benign for creatine transporter deficiency. ACMG/AMP criteria met, as specified by the ClinGen CCDS VCEP (Specifications Version 1.1.0): BS2, BS3_Supporting, BP4. (Classification approved by the ClinGen CCDS VCEP on June 6, 2022).

Women's Health and Genetics/Laboratory Corporation of America, LabCorp
Classification: Likely benign. Last evaluated: 2025-10-23. Review status: criteria provided, single submitter. Criteria: LabCorp Variant Classification Summary - May 2015. Collection method: clinical testing. Allele origin: germline. Not counted in ClinVar's aggregate classification.
Comment: Variant summary: SLC6A8 c.557G>A (p.Arg186His) results in a non-conservative amino acid change in the encoded protein sequence. Algorithms developed to predict the effect of missense changes on protein structure and function are either unavailable or do not agree on the potential impact of this missense change. The variant allele was found at a frequency of 1.3e-05 in 1210642 control chromosomes including 6 hemizygotes. To our knowledge, no occurrence of c.557G>A in individuals affected with SLC6A8-related conditions and no experimental evidence demonstrating its impact on protein function have been reported. ClinVar contains an entry for this variant (Variation ID: 516199). Based on the evidence outlined above, the variant was classified as likely benign.

Labcorp Genetics (formerly Invitae), Labcorp
Classification: Benign for Creatine transporter deficiency. Last evaluated: 2024-10-28. Review status: criteria provided, single submitter. Criteria: Invitae Variant Classification Sherloc (09022015). Collection method: clinical testing. Allele origin: germline. Not counted in ClinVar's aggregate classification.

GeneDx
Classification: Likely benign. Last evaluated: 2018-01-29. Review status: criteria provided, single submitter. Criteria: GeneDx Variant Classification (06012015). Collection method: clinical testing. Allele origin: germline. Affected: yes. Not counted in ClinVar's aggregate classification.
Comment: This variant is considered likely benign or benign based on one or more of the following criteria: it is a conservative change, it occurs at a poorly conserved position in the protein, it is predicted to be benign by multiple in silico algorithms, and/or has population frequency not consistent with disease.

Literature cited by the submitters: PubMed 25861866 (cited by ClinGen Cerebral Creatine Deficiency Syndromes Variant Curation Expert Panel, ClinGen).

NM_005629.4(SLC6A8):c.557G>A (p.Arg186His)

Gene: SLC6A8 (solute carrier family 6 member 8; plus strand). Cytogenetic location: Xq28.
Variant type: single nucleotide variant.
Coding change: c.557G>A on transcript NM_005629.4 (MANE Select); coding-DNA position 557, G replaced by A.
Protein change: p.Arg186His; replaces arginine 186 with histidine.
Molecular consequence: missense variant.
Genome position (GRCh38, 1-based): chrX:153,691,466, G>A. VCF-style: chrX-153691466-G-A. GRCh37 (hg19) VCF-style: chrX-152956921-G-A.
Other names: NM_005629.4(SLC6A8):c.557G>A; p.Arg186His; c.557G>A, p.Arg186His (NM_001142805.2); c.212G>A, p.Arg71His (NM_001142806.1); short protein forms R186H, R71H.
Identifiers: ClinVar variation 516199 (VCV000516199.13), dbSNP rs372601430, ClinGen allele CA10549206.